The following is an entry in ClinVar:

ClinVar aggregate classification (germline): Likely benign (1 of 4 stars; one submission).

gnomAD v4.1: 655 of 848,088 alleles (0.077%); highest among the groups gnomAD compares: African/African-American, 0.74%; 1 homozygote.

Submission:

CeGaT Center for Human Genetics Tuebingen
Classification: Likely benign. Last evaluated: 2026-05-01. Review status: criteria provided, single submitter. Criteria: CeGaT Center For Human Genetics Tuebingen Variant Classification Criteria Version 2. Collection method: clinical testing. Allele origin: germline. Affected: yes. Observed: 2 variant alleles.
Comment: IQSEC1: BP4, BP7

NM_001134382.3(IQSEC1):c.2994G>A (p.Pro998=)

Gene: IQSEC1 (IQ motif and Sec7 domain ArfGEF 1; minus strand). Cytogenetic location: 3p25.2.
Variant type: single nucleotide variant.
Coding change: c.2994G>A on transcript NM_001134382.3 (MANE Select); coding-DNA position 2994, G replaced by A.
Protein change: p.Pro998=; no amino-acid change (proline 998 retained).
Molecular consequence: synonymous variant. On other transcripts: 3 prime UTR variant (1), intron variant (1).
Genome position (GRCh38, 1-based): chr3:12,901,334, C>T on the plus strand (G>A on the coding strand, the complement: IQSEC1 is on the minus strand). VCF-style: chr3-12901334-C-T. GRCh37 (hg19) VCF-style: chr3-12942833-C-T.
Other names: c.*175G>A (NM_001330619.3); c.3318G>A, p.Pro1106= (NM_001376938.2); c.2847+1439G>A (NM_014869.8).
Identifiers: ClinVar variation 4872363 (VCV004872363.2).